The following is an entry in ClinVar:

ClinVar aggregate classification (germline): Pathogenic/Likely pathogenic. Review status: criteria provided, multiple submitters, no conflicts (2 of 4 stars). 2 submissions from 2 submitters: Pathogenic (1); Likely pathogenic (1). Last evaluated 2024-04-08.

Conditions:
Niemann-Pick disease, type A. Also called: SPHINGOMYELIN LIPIDOSIS; SPHINGOMYELINASE DEFICIENCY; Infantile Neurovisceral ASMD (Niemann-Pick Disease Type A; NPD-A). Identifiers: Orphanet 77292, MedGen C0268242, MONDO:0009756, OMIM 257200. Disease mechanism: loss of function.
Niemann-Pick disease, type B. Also called: Chronic Visceral ASMD (Niemann-Pick Disease Type B; NPD-B). Identifiers: Orphanet 77293, MedGen C0268243, MONDO:0011871, OMIM 607616. Disease mechanism: loss of function.

Allele frequency attached by ClinVar (database versions not stated): gnomAD exomes below 0.00001.

Submissions (2):

Natera, Inc.
Classification: Likely pathogenic for Niemann-Pick Disease, Types A/B. Last evaluated: 2024-04-08. Review status: criteria provided, single submitter. Criteria: Natera Variant Classification Schema (03/2026). Collection method: clinical testing. Allele origin: germline.
Comment: The c.43delT variant in SMPD1 is a frameshift variant predicted to shift the reading frame beginning at codon 15 and leads to a stop codon 62 codons downstream. This variant is expected to result in nonsense mediated decay, truncation, or a dysfunctional protein product. This variant is rare in the general population with a frequency below the threshold expected for the associated phenotype(s). Given the available evidence, this variant is classified as Likely Pathogenic.

Labcorp Genetics (formerly Invitae), Labcorp
Classification: Pathogenic for Niemann-Pick disease, type B; Niemann-Pick disease, type A. Last evaluated: 2022-03-09. Review status: criteria provided, single submitter. Criteria: Invitae Variant Classification Sherloc (09022015). Collection method: clinical testing. Allele origin: germline.
Comment: This variant is not present in population databases (gnomAD no frequency). This variant has not been reported in the literature in individuals affected with SMPD1-related conditions. For these reasons, this variant has been classified as Pathogenic. This sequence change creates a premature translational stop signal (p.Ser15Profs*62) in the SMPD1 gene. It is expected to result in an absent or disrupted protein product. Loss-of-function variants in SMPD1 are known to be pathogenic (PMID: 12369017, 15221801).

Literature cited by the submitters: PubMed 12369017 (cited by Labcorp Genetics (formerly Invitae), Labcorp); PubMed 15221801 (cited by Labcorp Genetics (formerly Invitae), Labcorp).

NM_000543.5(SMPD1):c.43del (p.Ser15fs)

Genes: SMPD1 (sphingomyelin phosphodiesterase 1; plus strand), LOC130005193 (ATAC-STARR-seq lymphoblastoid silent region 3099; plus strand). Cytogenetic location: 11p15.4.
Variant type: Deletion.
Coding change: c.43del on transcript NM_000543.5 (MANE Select); coding-DNA position 43, one base deleted (T; older notation c.43delT).
Protein change: p.Ser15fs; shifts the reading frame from serine 15.
Molecular consequence: frameshift variant. On other transcripts: 5 prime UTR variant (1), non-coding transcript variant (2).
Genome position (GRCh38, 1-based): chr11:6,390,641, T deleted. VCF-style (leftmost placement, unchanged base first): chr11-6390640-GT-G. GRCh37 (hg19) VCF-style: chr11-6411870-GT-G.
Other names: c.43del, p.Ser15fs (NM_001007593.3, NM_001318087.2, NM_001365135.2); c.-919del (NM_001318088.2); c.43delT (NM_000543.4); short protein forms S15fs.
Identifiers: ClinVar variation 1386053 (VCV001386053.7), dbSNP rs2134004628, ClinGen allele CA2573147168.